The following is an entry in ClinVar:

ClinVar aggregate classification (germline): Likely pathogenic. Review status: criteria provided, multiple submitters, no conflicts (2 of 4 stars). 3 submissions from 3 submitters: Likely pathogenic (3). Last evaluated 2025-09-09.

Conditions:
Cardiovascular phenotype. Identifiers: MedGen CN230736.
Autosomal recessive limb-girdle muscular dystrophy type 2J (LGMDR10). Also called: MUSCULAR DYSTROPHY, LIMB-GIRDLE, AUTOSOMAL RECESSIVE 10; Limb-girdle muscular dystrophy, type 2J. Identifiers: Orphanet 140922, MedGen C1837342, MONDO:0012127, OMIM 608807.
Dilated cardiomyopathy 1G (CMD1G). Identifiers: Orphanet 154, MedGen C1858763, MONDO:0011400, OMIM 604145.

Submissions (3):

Ambry Genetics
Classification: Likely pathogenic for Cardiovascular phenotype. Last evaluated: 2025-09-09. Review status: criteria provided, single submitter. Criteria: Ambry Variant Classification Scheme 2023. Collection method: clinical testing. Allele origin: germline.
Comment: The c.76892delC variant, located in coding exon 185 of the TTN gene, results from a deletion of one nucleotide at nucleotide position 76892, causing a translational frameshift with a predicted alternate stop codon (p.P25631Qfs*51). This exon is located in the M-band region of the N2-B isoform of the titin protein and is constitutively expressed in TTN transcripts (percent spliced in or PSI 100%). This variant was reported in individual(s) with features consistent with dilated cardiomyopathy (Ambry internal data). This variant is considered to be rare based on population cohorts in the Genome Aggregation Database (gnomAD). This variant is expected to result in loss of function by premature protein truncation or nonsense-mediated mRNA decay. While truncating variants in TTN are present in 1-3% of the general population, truncating variants in the M-band have been reported in association with autosomal recessive titinopathies, primarily presenting with skeletal myopathy phenotypes (Ceyhan-Birsoy O et al. Neurology. 2013 Oct 1;81(14):1205-14; De Cid R et al. Neurology. 2015;85(24):2126-35). Truncating variants in coding exon 185 of the M-band of the N2-B isoform have also been specifically associated with autosomal dominant dilated cardiomyopathy (Vatta M et al. Circ GenomPrecis Med. 2025 Feb:e004982). More generally, TTN truncating variants encoded in constitutive exons (PSI >90%) have been found to be significantly associated with dilated cardiomyopathy (DCM) regardless of their position, although truncating variants in the A-band are the most common cause of DCM (Herman DS et al. N. Engl. J. Med., 2012 Feb;366:619-28; Roberts AM et al. Sci Transl Med, 2015 Jan;7:270ra6; Schafer S et al. Nat. Genet., 2017 01;49:46-53; Akhtar MM et al. Circ Heart Fail, 2020 Oct;13:e006832; Massier M et al. Clin Genet, 2025 Jan). Based on the majority of available evidence to date, this variant is likely to be pathogenic.

Labcorp Genetics (formerly Invitae), Labcorp
Classification: Likely pathogenic for Dilated cardiomyopathy 1G; Autosomal recessive limb-girdle muscular dystrophy type 2J. Last evaluated: 2025-06-05. Review status: criteria provided, single submitter. Criteria: Invitae Variant Classification Sherloc (09022015). Collection method: clinical testing. Allele origin: germline.
Comment: This sequence change creates a premature translational stop signal (p.Pro34696Glnfs*51) in the TTN gene. While this is not anticipated to result in nonsense mediated decay, it is expected to create a truncated TTN protein. This variant is not present in population databases (gnomAD no frequency). This variant has not been reported in the literature in individuals affected with TTN-related conditions. ClinVar contains an entry for this variant (Variation ID: 500666). This variant is located in the M band of TTN (PMID: 25589632). Truncating variants in this region have been previously reported in individuals affected with autosomal dominant or autosomal recessive myopathy and muscular dystrophy (PMID: 18948003, 23975875, 24395473). Truncating variants in this region have also been identified in individuals affected with autosomal dominant dilated cardiomyopathy and/or cardio-related conditions (PMID: 27869827, 32964742, internal data). In summary, the currently available evidence indicates that the variant is pathogenic, but additional data are needed to prove that conclusively. Therefore, this variant has been classified as Likely Pathogenic.

Eurofins Ntd Llc (ga)
Classification: Likely pathogenic. Last evaluated: 2017-03-09. Review status: criteria provided, single submitter. Criteria: EGL Classification Definitions 2015. Collection method: clinical testing. Allele origin: germline. Observed: 1 variant allele, 1 heterozygote.

Literature cited by the submitters: PubMed 25589632 (cited by Labcorp Genetics (formerly Invitae), Labcorp); PubMed 18948003 (cited by Labcorp Genetics (formerly Invitae), Labcorp); PubMed 23975875 (cited by Labcorp Genetics (formerly Invitae), Labcorp); PubMed 24395473 (cited by Labcorp Genetics (formerly Invitae), Labcorp); PubMed 27869827 (cited by Labcorp Genetics (formerly Invitae), Labcorp); PubMed 32964742 (cited by Labcorp Genetics (formerly Invitae), Labcorp).

NM_001267550.2(TTN):c.104087del (p.Pro34696fs)

Genes: TTN (titin; minus strand), TTN-AS1 (TTN antisense RNA 1; plus strand). Cytogenetic location: 2q31.2.
Variant type: Deletion.
Coding change: c.104087del on transcript NM_001267550.2 (MANE Select); coding-DNA position 104087, one base deleted (C; older notation c.104087delC).
Protein change: p.Pro34696fs; shifts the reading frame from proline 34696.
Molecular consequence: frameshift variant.
Genome position (GRCh38, 1-based): chr2:178,532,528, G deleted on the plus strand (C on the coding strand, the reverse complement: TTN is on the minus strand); the first of 5 consecutive G bases (chr2:178,532,528-178,532,532); deleting any one gives the same sequence. VCF-style (leftmost placement, unchanged base first): chr2-178532527-TG-T. GRCh37 (hg19) VCF-style: chr2-179397254-TG-T.
Other names: c.99164del, p.Pro33055fs (NM_001256850.1); c.76892del, p.Pro25631fs (NM_003319.4); c.96383del, p.Pro32128fs (NM_133378.4); c.77267del, p.Pro25756fs (NM_133432.3); c.77468del, p.Pro25823fs (NM_133437.4); c.76892delC (NM_003319.4); short protein forms P32128fs, P33055fs, P34696fs, P25631fs, P25756fs, P25823fs.
Identifiers: ClinVar variation 500666 (VCV000500666.8), dbSNP rs1553489404, ClinGen allele CA430236105.